The following is an entry in ClinVar:

ClinVar aggregate classification (germline): Conflicting classifications of pathogenicity. Review status: criteria provided, conflicting classifications (1 of 4 stars). 4 submissions from 4 submitters: Uncertain significance (3); Likely benign (1). Last evaluated 2025-12-15.

Conditions:
Hereditary cancer-predisposing syndrome. Also called: Neoplastic Syndromes, Hereditary; Tumor predisposition; Hereditary neoplastic syndrome; Hereditary Cancer Syndrome. Identifiers: Orphanet 140162, MedGen C0027672, MeSH D009386, MONDO:0015356.
Hereditary nonpolyposis colorectal neoplasms. Identifiers: MedGen C0009405, MeSH D003123.
Lynch syndrome. Identifiers: Orphanet 144, MedGen C4552100, MONDO:0005835. Disease mechanism: loss of function.

Allele frequency attached by ClinVar (database versions not stated): gnomAD exomes below 0.00001.
gnomAD v4.1: 2 of 1,588,134 alleles (0.00013%); highest among the groups gnomAD compares: Non-Finnish European, 0.00017%; no homozygotes.

Submissions (4):

Labcorp Genetics (formerly Invitae), Labcorp
Classification: Likely benign for Hereditary nonpolyposis colorectal neoplasms. Last evaluated: 2025-12-15. Review status: criteria provided, single submitter. Criteria: Invitae Variant Classification Sherloc (09022015). Collection method: clinical testing. Allele origin: germline.

Ambry Genetics
Classification: Uncertain significance for Hereditary cancer-predisposing syndrome. Last evaluated: 2025-10-27. Review status: criteria provided, single submitter. Criteria: Ambry Variant Classification Scheme 2023. Collection method: clinical testing. Allele origin: germline.
Comment: The c.537+5A>G intronic variant results from an A to G substitution 5 nucleotides after coding exon 5 in the PMS2 gene. In silico splice site analysis predicts that this alteration will not have any significant effect on splicing; however, direct evidence is insufficient at this time (Ambry internal data). This nucleotide position is poorly conserved in available vertebrate species. Based on the available evidence, the clinical significance of this variant remains unclear.

All of Us Research Program, National Institutes of Health
Classification: Uncertain significance for Lynch syndrome. Last evaluated: 2023-10-02. Review status: criteria provided, single submitter. Criteria: ACMG Guidelines, 2015. Collection method: clinical testing. Allele origin: germline. Inheritance: Autosomal dominant inheritance. Observed: 1 variant allele, 1 heterozygote.
Comment: This variant causes an A to G nucleotide substitution at the +5 position of intron 5 of the PMS2 gene. Splice site prediction tools are inconclusive regarding the impact of this variant on RNA splicing. To our knowledge, RNA studies have not been reported for this variant. This variant has not been reported in individuals affected with PMS2-related disorders in the literature. This variant has not been identified in the general population by the Genome Aggregation Database (gnomAD). The available evidence is insufficient to determine the role of this variant in disease conclusively. Therefore, this variant is classified as a Variant of Uncertain Significance.

This study involves interpretation of variants in research participants for the purpose of population health screening. Participant phenotype was not available at the time of variant classification. Additional details can be found in publication PMID: 35346344, PMCID: PMC8962531

Color Diagnostics, LLC DBA Color Health
Classification: Uncertain significance for Hereditary cancer-predisposing syndrome. Last evaluated: 2023-08-10. Review status: criteria provided, single submitter. Criteria: ACMG Guidelines, 2015. Collection method: clinical testing. Allele origin: germline.
Comment: This variant causes an A to G nucleotide substitution at the +5 position of intron 5 of the PMS2 gene. Splice site prediction tools are inconclusive regarding the impact of this variant on RNA splicing. To our knowledge, RNA studies have not been reported for this variant. This variant has not been reported in individuals affected with PMS2-related disorders in the literature. This variant has not been identified in the general population by the Genome Aggregation Database (gnomAD). The available evidence is insufficient to determine the role of this variant in disease conclusively. Therefore, this variant is classified as a Variant of Uncertain Significance.

NM_000535.7(PMS2):c.537+5A>G

Gene: PMS2 (PMS1 homolog 2, mismatch repair system component; minus strand). Cytogenetic location: 7p22.1.
Variant type: single nucleotide variant.
Coding change: c.537+5A>G on transcript NM_000535.7 (MANE Select); 5 bases into the intron after coding-DNA position 537, A replaced by G.
Molecular consequence: intron variant.
Genome position (GRCh38, 1-based): chr7:6,002,448, T>C on the plus strand (A>G on the coding strand, the complement: PMS2 is on the minus strand). VCF-style: chr7-6002448-T-C. GRCh37 (hg19) VCF-style: chr7-6042079-T-C.
Other names: c.219+5A>G (NM_001322008.2, NM_001322007.2); c.132+5A>G (NM_001322010.2, NM_001322004.2, NM_001322013.2 and 3 more transcripts); c.-348+5A>G (NM_001322012.2, NM_001322011.2); c.228+5A>G (NM_001322015.2); c.537+5A>G (NM_001322006.2, NM_001322014.2).
Identifiers: ClinVar variation 580723 (VCV000580723.19), dbSNP rs1562688519, ClinGen allele CA891843337.